The following is an entry in ClinVar:

ClinVar aggregate classification (germline): Uncertain significance (1 of 4 stars; one submission).

Allele frequency attached by ClinVar (database versions not stated): ExAC 0.00002.
gnomAD v4.1: 15 of 1,609,956 alleles (0.00093%); highest among the groups gnomAD compares: Admixed American, 0.005%; no homozygotes.

Submission:

Labcorp Genetics (formerly Invitae), Labcorp
Classification: Uncertain significance. Last evaluated: 2022-06-27. Review status: criteria provided, single submitter. Criteria: Invitae Variant Classification Sherloc (09022015). Collection method: clinical testing. Allele origin: germline.
Comment: This sequence change replaces alanine, which is neutral and non-polar, with threonine, which is neutral and polar, at codon 607 of the C2CD3 protein (p.Ala607Thr). In summary, the available evidence is currently insufficient to determine the role of this variant in disease. Therefore, it has been classified as a Variant of Uncertain Significance. Algorithms developed to predict the effect of missense changes on protein structure and function are either unavailable or do not agree on the potential impact of this missense change (SIFT: "Deleterious"; PolyPhen-2: "Possibly Damaging"; Align-GVGD: "Class C0"). This variant has not been reported in the literature in individuals affected with C2CD3-related conditions. This variant is present in population databases (rs775190326, gnomAD 0.006%).

NM_001286577.2(C2CD3):c.1819G>A (p.Ala607Thr)

Gene: C2CD3 (C2 domain containing 3 centriole elongation regulator; minus strand). Cytogenetic location: 11q13.4.
Variant type: single nucleotide variant.
Coding change: c.1819G>A on transcript NM_001286577.2 (MANE Select); coding-DNA position 1819, G replaced by A.
Protein change: p.Ala607Thr; replaces alanine 607 with threonine.
Molecular consequence: missense variant.
Genome position (GRCh38, 1-based): chr11:74,113,804, C>T on the plus strand (G>A on the coding strand, the complement: C2CD3 is on the minus strand). VCF-style: chr11-74113804-C-T. GRCh37 (hg19) VCF-style: chr11-73824849-C-T.
Other names: c.1819G>A, p.Ala607Thr (NM_015531.6); short protein forms A607T.
Identifiers: ClinVar variation 1985676 (VCV001985676.4), dbSNP rs775190326, ClinGen allele CA6182844.